The following is an entry in ClinVar:

NM_198253.3(TERT):c.2864G>A (p.Arg955Lys)

Gene: TERT (telomerase reverse transcriptase; minus strand). Cytogenetic location: 5p15.33.
Variant type: single nucleotide variant.
Coding change: c.2864G>A on transcript NM_198253.3 (MANE Select); coding-DNA position 2864, G replaced by A.
Protein change: p.Arg955Lys; replaces arginine 955 with lysine.
Molecular consequence: missense variant. On other transcripts: non-coding transcript variant (2).
Genome position (GRCh38, 1-based): chr5:1,260,580, C>T on the plus strand (G>A on the coding strand, the complement: TERT is on the minus strand). VCF-style: chr5-1260580-C-T. GRCh37 (hg19) VCF-style: chr5-1260695-C-T.
Other names: c.2675G>A, p.Arg892Lys (NM_001193376.3); short protein forms R955K, R892K.
Identifiers: ClinVar variation 4561941 (VCV004561941.1).

ClinVar aggregate classification (germline): Uncertain significance (1 of 4 stars; one submission).

Conditions:
Dyskeratosis congenita. Identifiers: Orphanet 1775, MedGen C0265965, MONDO:0015780.

Submission:

Ambry Genetics
Classification: Uncertain significance for Dyskeratosis congenita. Last evaluated: 2025-11-25. Review status: criteria provided, single submitter. Criteria: Ambry Variant Classification Scheme 2023. Collection method: clinical testing. Allele origin: germline.
Comment: The p.R955K variant (also known as c.2864G>A), located in coding exon 12 of the TERT gene, results from a G to A substitution at nucleotide position 2864. The arginine at codon 955 is replaced by lysine, an amino acid with highly similar properties. This amino acid position is conserved. In addition, this alteration is predicted to be tolerated by in silico analysis. Based on the available evidence, the clinical significance of this variant remains unclear.